The following is an entry in ClinVar:

NM_000540.3(RYR1):c.11259+7G>A

Gene: RYR1 (ryanodine receptor 1; plus strand). Cytogenetic location: 19q13.2.
Variant type: single nucleotide variant.
Coding change: c.11259+7G>A on transcript NM_000540.3 (MANE Select); 7 bases into the intron after coding-DNA position 11259, G replaced by A.
Molecular consequence: intron variant.
Genome position (GRCh38, 1-based): chr19:38,532,743, G>A. VCF-style: chr19-38532743-G-A. GRCh37 (hg19) VCF-style: chr19-39023383-G-A.
Other names: p.?; c.11244+7G>A (NM_001042723.2).
Identifiers: ClinVar variation 2899385 (VCV002899385.4), dbSNP rs1971797744, ClinGen allele CA2335069507.

ClinVar aggregate classification (germline): Likely benign. Review status: criteria provided, multiple submitters, no conflicts (2 of 4 stars). 2 submissions from 2 submitters: Likely benign (2). Last evaluated 2024-11-13.

Conditions:
RYR1-related disorder. Also called: RYR1-related condition; RYR1-related disorders. Identifiers: MedGen CN239331.

Allele frequency attached by ClinVar (database versions not stated): TOPMed below 0.00001.

Submissions (2):

Mayo Clinic Laboratories, Mayo Clinic
Classification: Likely benign. Last evaluated: 2024-11-13. Review status: criteria provided, single submitter. Criteria: ACMG Guidelines, 2015. Collection method: clinical testing. Allele origin: germline. Observed: 1 variant allele.
Comment: BP4, BP7

Labcorp Genetics (formerly Invitae), Labcorp
Classification: Likely benign for RYR1-related disorder. Last evaluated: 2022-10-19. Review status: criteria provided, single submitter. Criteria: Invitae Variant Classification Sherloc (09022015). Collection method: clinical testing. Allele origin: germline.